The following is an entry in ClinVar:

ClinVar aggregate classification (germline): Pathogenic. Review status: criteria provided, multiple submitters, no conflicts (2 of 4 stars). 5 submissions from 5 submitters: Pathogenic (4). 1 of the submissions does not count toward it. Last evaluated 2025-06-11.

Conditions:
Kabuki syndrome. Also called: Kabuki make-up syndrome; NIIKAWA-KUROKI SYNDROME. Identifiers: Orphanet 2322, MedGen C0796004, MONDO:0016512.
Kabuki syndrome 1 (KABUK1). Also called: KMT2D-Related Kabuki Syndrome. Identifiers: Orphanet 2322, MedGen CN030661, MONDO:0007843, OMIM 147920.

Submissions (5):

GeneDx
Classification: Pathogenic. Last evaluated: 2025-06-11. Review status: criteria provided, single submitter. Criteria: GeneDx Variant Classification Process June 2021. Collection method: clinical testing. Allele origin: germline. Affected: yes.
Comment: Nonsense variant predicted to result in protein truncation or nonsense mediated decay in a gene for which loss of function is a known mechanism of disease; Truncating variants in this gene are considered pathogenic by a well-established clinical consortium and/or database; Not observed at significant frequency in large population cohorts (gnomAD); This variant is associated with the following publications: (PMID: 35904121, 32803813, 22786791)

3billion
Classification: Pathogenic for Kabuki syndrome 1. Last evaluated: 2025-05-15. Review status: criteria provided, single submitter. Criteria: ACMG Guidelines, 2015. Collection method: clinical testing. Allele origin: germline. Affected: yes.
Comment: The variant is not observed in the gnomAD v4.1.0 dataset. Predicted Consequence/Location: Stop-gained (nonsense): predicted to result in a loss or disruption of normal protein function through nonsense-mediated decay (NMD) or protein truncation. Multiple pathogenic variants are reported downstream of the variant. The variant has been reported at least twice as pathogenic without evidence for the classification (ClinVar ID: VCV000158739 /PMID: 22786791). Therefore, this variant is classified as Pathogenic according to the recommendation of ACMG/AMP guideline.

Labcorp Genetics (formerly Invitae), Labcorp
Classification: Pathogenic for Kabuki syndrome. Last evaluated: 2025-01-19. Review status: criteria provided, single submitter. Criteria: Invitae Variant Classification Sherloc (09022015). Collection method: clinical testing. Allele origin: germline.
Comment: This sequence change creates a premature translational stop signal (p.Arg5282*) in the KMT2D gene. It is expected to result in an absent or disrupted protein product. Loss-of-function variants in KMT2D are known to be pathogenic (PMID: 22126750). This variant is not present in population databases (gnomAD no frequency). This premature translational stop signal has been observed in individual(s) with Kabuki syndrome (PMID: 22786791). ClinVar contains an entry for this variant (Variation ID: 158739). For these reasons, this variant has been classified as Pathogenic.

Genetic Services Laboratory, University of Chicago
Classification: Pathogenic for Kabuki syndrome 1. Last evaluated: 2013-02-08. Review status: criteria provided, single submitter. Criteria: ACMG Guidelines, 2007. Collection method: clinical testing. Allele origin: germline. Inheritance: Autosomal dominant inheritance. Affected: yes.

Autoinflammatory diseases unit, CHU de Montpellier
Classification: Pathogenic for Kabuki syndrome 1. Last evaluated: 2015-11-16. Review status: no assertion criteria provided. Collection method: clinical testing. Allele origin: unknown. Affected: yes. Not counted in ClinVar's aggregate classification.

Literature cited by the submitters: PubMed 22786791 (cited by 3billion and Labcorp Genetics (formerly Invitae), Labcorp); PubMed 22126750 (cited by Labcorp Genetics (formerly Invitae), Labcorp).

NM_003482.4(KMT2D):c.15844C>T (p.Arg5282Ter)

Gene: KMT2D (lysine methyltransferase 2D; minus strand). Cytogenetic location: 12q13.12.
Variant type: single nucleotide variant.
Coding change: c.15844C>T on transcript NM_003482.4 (MANE Select); coding-DNA position 15844, C replaced by T.
Protein change: p.Arg5282Ter; replaces arginine 5282 with a stop codon.
Molecular consequence: nonsense.
Genome position (GRCh38, 1-based): chr12:49,024,887, G>A on the plus strand (C>T on the coding strand, the complement: KMT2D is on the minus strand). VCF-style: chr12-49024887-G-A. GRCh37 (hg19) VCF-style: chr12-49418670-G-A.
Other names: short protein forms R5282*.
Identifiers: ClinVar variation 158739 (VCV000158739.15), dbSNP rs587783698, ClinGen allele CA271606.